The following is an entry in ClinVar:

NM_001100913.3(PACS2):c.1694G>C (p.Ser565Thr)

Gene: PACS2 (phosphofurin acidic cluster sorting protein 2; plus strand). Cytogenetic location: 14q32.33.
Variant type: single nucleotide variant.
Coding change: c.1694G>C on transcript NM_001100913.3 (MANE Select); coding-DNA position 1694, G replaced by C.
Protein change: p.Ser565Thr; replaces serine 565 with threonine.
Molecular consequence: missense variant.
Genome position (GRCh38, 1-based): chr14:105,383,427, G>C. VCF-style: chr14-105383427-G-C. GRCh37 (hg19) VCF-style: chr14-105849764-G-C.
Other names: c.1457G>C, p.Ser486Thr (NM_001243127.3); c.1682G>C, p.Ser561Thr (NM_015197.4); short protein forms S486T, S565T, S561T.
Identifiers: ClinVar variation 2062252 (VCV002062252.4), dbSNP rs200405575, ClinGen allele CA7388961.

ClinVar aggregate classification (germline): Uncertain significance (1 of 4 stars; one submission).

Allele frequency attached by ClinVar (database versions not stated): TOPMed below 0.00001; gnomAD 0.00001; ExAC 0.00002; 1000 Genomes Project 30x 0.00016; 1000 Genomes Project 0.00020.
gnomAD v4.1: 11 of 1,609,566 alleles (0.00068%); highest among the groups gnomAD compares: East Asian, 0.025%; no homozygotes.

Submission:

Labcorp Genetics (formerly Invitae), Labcorp
Classification: Uncertain significance. Last evaluated: 2022-07-15. Review status: criteria provided, single submitter. Criteria: Invitae Variant Classification Sherloc (09022015). Collection method: clinical testing. Allele origin: germline.
Comment: Algorithms developed to predict the effect of missense changes on protein structure and function are either unavailable or do not agree on the potential impact of this missense change (SIFT: "Tolerated"; PolyPhen-2: "Probably Damaging"; Align-GVGD: "Class C0"). This variant has not been reported in the literature in individuals affected with PACS2-related conditions. This variant is present in population databases (rs200405575, gnomAD 0.02%). This sequence change replaces serine, which is neutral and polar, with threonine, which is neutral and polar, at codon 565 of the PACS2 protein (p.Ser565Thr). In summary, the available evidence is currently insufficient to determine the role of this variant in disease. Therefore, it has been classified as a Variant of Uncertain Significance.